The following is an entry in ClinVar:

NM_000044.6(AR):c.292C>T (p.Gln98Ter)

Gene: AR (androgen receptor; plus strand). Cytogenetic location: Xq12.
Variant type: single nucleotide variant.
Coding change: c.292C>T on transcript NM_000044.6 (MANE Select); coding-DNA position 292, C replaced by T.
Protein change: p.Gln98Ter; replaces glutamine 98 with a stop codon.
Molecular consequence: nonsense. On other transcripts: 5 prime UTR variant (1).
Genome position (GRCh38, 1-based): chrX:67,545,438, C>T. VCF-style: chrX-67545438-C-T. GRCh37 (hg19) VCF-style: chrX-66765280-C-T.
Other names: c.-1492C>T (NM_001011645.3); c.292C>T, p.Gln98Ter (NM_001348061.1, NM_001348063.1, NM_001348064.1); short protein forms Q98*.
Identifiers: ClinVar variation 464802 (VCV000464802.1), dbSNP rs1555969553, ClinGen allele CA413424226.
Genomic context (GRCh38, chrX:67,545,438, plus strand): 5'-CAGCAGCAAGAGACTAGCCCCAGGCAGCAGCAGCAGCAGCAGGGTGAGGATGGTTCTCCC[C>T]AAGCCCATCGTAGAGGCCCCACAGGCTACCTGGTCCTGGATGAGGAACAGCAACCTTCAC-3'

ClinVar aggregate classification (germline): Pathogenic (1 of 4 stars; one submission).

Conditions:
Androgen resistance syndrome (AIS). Also called: Androgen insensitivity, complete; Androgen insensitivity syndrome; DHTR DEFICIENCY; ANDROGEN RECEPTOR DEFICIENCY; DIHYDROTESTOSTERONE RECEPTOR DEFICIENCY; TESTICULAR FEMINIZATION SYNDROME. Identifiers: Orphanet 754, Orphanet 99429, MedGen C0039585, MONDO:0019154, OMIM 300068. Disease mechanism: loss of function.
Kennedy disease (SMAX1). Also called: Spinal and Bulbar Muscular Atrophy; SPINAL AND BULBAR MUSCULAR ATROPHY, X-LINKED 1; KENNEDY SPINAL AND BULBAR MUSCULAR ATROPHY. Identifiers: Orphanet 481, MedGen C1839259, MONDO:0010735, OMIM 313200.

Submission:

Labcorp Genetics (formerly Invitae), Labcorp
Classification: Pathogenic for Kennedy disease; Androgen resistance syndrome. Last evaluated: 2016-07-20. Review status: criteria provided, single submitter. Criteria: Invitae Variant Classification Sherloc (09022015). Collection method: clinical testing. Allele origin: germline.
Comment: This sequence change creates a premature translational stop signal at codon 98 (p.Gln98*) of the AR gene. It is expected to result in an absent or disrupted protein product. While this particular variant has not been reported in the literature, loss-of-function variants in AR are known to be pathogenic (PMID: 19463997). For these reasons, this variant has been classified as Pathogenic.